The following is an entry in ClinVar:

NM_001206927.2(DNAH8):c.2597A>G (p.Tyr866Cys)

Gene: DNAH8 (dynein axonemal heavy chain 8; plus strand). Cytogenetic location: 6p21.2.
Variant type: single nucleotide variant.
Coding change: c.2597A>G on transcript NM_001206927.2 (MANE Select); coding-DNA position 2597, A replaced by G.
Protein change: p.Tyr866Cys; replaces tyrosine 866 with cysteine.
Molecular consequence: missense variant.
Genome position (GRCh38, 1-based): chr6:38,789,816, A>G. VCF-style: chr6-38789816-A-G. GRCh37 (hg19) VCF-style: chr6-38757592-A-G.
Other names: c.1946A>G, p.Tyr649Cys (NM_001371.4); short protein forms Y866C, Y649C.
Identifiers: ClinVar variation 962754 (VCV000962754.8), dbSNP rs144797040, ClinGen allele CA3788563.

ClinVar aggregate classification (germline): Uncertain significance. Review status: criteria provided, multiple submitters, no conflicts (2 of 4 stars). 2 submissions from 2 submitters: Uncertain significance (2). Last evaluated 2025-06-03.

Conditions:
Primary ciliary dyskinesia. Also called: Ciliary dyskinesia. Identifiers: Orphanet 244, MedGen C0008780, MONDO:0016575, HP:0012265.

Allele frequency attached by ClinVar (database versions not stated): ExAC 0.00001; gnomAD exomes 0.00001 and 0.00002; ESP Exome Variant Server 0.00008; gnomAD 0.00021 and 0.00023; TOPMed 0.00024.
gnomAD v4.1: 51 of 1,611,142 alleles (0.0032%); highest among the groups gnomAD compares: African/African-American, 0.059%; no homozygotes.

Submissions (2):

Ambry Genetics
Classification: Uncertain significance. Last evaluated: 2025-06-03. Review status: criteria provided, single submitter. Criteria: Ambry Variant Classification Scheme 2023. Collection method: clinical testing. Allele origin: germline.

Labcorp Genetics (formerly Invitae), Labcorp
Classification: Uncertain significance for Primary ciliary dyskinesia. Last evaluated: 2022-07-18. Review status: criteria provided, single submitter. Criteria: Invitae Variant Classification Sherloc (09022015). Collection method: clinical testing. Allele origin: germline.
Comment: In summary, the available evidence is currently insufficient to determine the role of this variant in disease. Therefore, it has been classified as a Variant of Uncertain Significance. Algorithms developed to predict the effect of missense changes on protein structure and function are either unavailable or do not agree on the potential impact of this missense change (SIFT: "Tolerated"; PolyPhen-2: "Not Available"; Align-GVGD: "Class C0"). ClinVar contains an entry for this variant (Variation ID: 962754). This variant has not been reported in the literature in individuals affected with DNAH8-related conditions. This variant is present in population databases (rs144797040, gnomAD 0.03%). This sequence change replaces tyrosine, which is neutral and polar, with cysteine, which is neutral and slightly polar, at codon 866 of the DNAH8 protein (p.Tyr866Cys).